The following is an entry in ClinVar:

NM_002661.5(PLCG2):c.3523A>G (p.Ile1175Val)

Gene: PLCG2 (phospholipase C gamma 2; plus strand). Cytogenetic location: 16q23.3.
Variant type: single nucleotide variant.
Coding change: c.3523A>G on transcript NM_002661.5 (MANE Select); coding-DNA position 3523, A replaced by G.
Protein change: p.Ile1175Val; replaces isoleucine 1175 with valine.
Molecular consequence: missense variant.
Genome position (GRCh38, 1-based): chr16:81,946,216, A>G. VCF-style: chr16-81946216-A-G. GRCh37 (hg19) VCF-style: chr16-81979821-A-G.
Other names: short protein forms I1175V.
Identifiers: ClinVar variation 862764 (VCV000862764.7), dbSNP rs368684142, ClinGen allele CA8194757.

ClinVar aggregate classification (germline): Uncertain significance (1 of 4 stars; one submission).

Conditions:
Familial cold autoinflammatory syndrome 3 (FCAS3). Also called: FAMILIAL ATYPICAL COLD URTICARIA; ANTIBODY DEFICIENCY AND IMMUNE DYSREGULATION, PLCG2-ASSOCIATED. Identifiers: Orphanet 300359, MedGen C3280914, MONDO:0013766, OMIM 614468.

Allele frequency attached by ClinVar (database versions not stated): gnomAD 0.00001; gnomAD exomes 0.00002 and 0.00003; ExAC 0.00003; TOPMed 0.00003; ESP Exome Variant Server 0.00008.
gnomAD v4.1: 38 of 1,613,866 alleles (0.0024%); highest among the groups gnomAD compares: Non-Finnish European, 0.0029%; 1 homozygote.

Submission:

Labcorp Genetics (formerly Invitae), Labcorp
Classification: Uncertain significance for Familial cold autoinflammatory syndrome 3. Last evaluated: 2026-01-04. Review status: criteria provided, single submitter. Criteria: Invitae Variant Classification Sherloc (09022015). Collection method: clinical testing. Allele origin: germline.
Comment: This sequence change replaces isoleucine, which is neutral and non-polar, with valine, which is neutral and non-polar, at codon 1175 of the PLCG2 protein (p.Ile1175Val). This variant is present in population databases (rs368684142, gnomAD 0.005%). This variant has not been reported in the literature in individuals affected with PLCG2-related conditions. ClinVar contains an entry for this variant (Variation ID: 862764). An algorithm developed to predict the effect of missense changes on protein structure and function (PolyPhen-2) suggests that this variant is likely to be tolerated. In summary, the available evidence is currently insufficient to determine the role of this variant in disease. Therefore, it has been classified as a Variant of Uncertain Significance.